The following is an entry in ClinVar:

NM_000070.3(CAPN3):c.1342C>T (p.Arg448Cys)

Gene: CAPN3 (calpain 3; plus strand). Cytogenetic location: 15q15.1.
Variant type: single nucleotide variant.
Coding change: c.1342C>T on transcript NM_000070.3 (MANE Select); coding-DNA position 1342, C replaced by T.
Protein change: p.Arg448Cys; replaces arginine 448 with cysteine.
Molecular consequence: missense variant.
Genome position (GRCh38, 1-based): chr15:42,399,640, C>T. VCF-style: chr15-42399640-C-T. GRCh37 (hg19) VCF-style: chr15-42691838-C-T.
Other names: NM_000070.3(CAPN3):c.1342C>T; c.1342C>T, p.Arg448Cys (NM_024344.2); c.1198C>T, p.Arg400Cys (NM_173087.2); short protein forms R448C, R400C.
Identifiers: ClinVar variation 280038 (VCV000280038.70), dbSNP rs776043976, ClinGen allele CA7511324.

ClinVar aggregate classification (germline): Pathogenic. Review status: reviewed by expert panel (3 of 4 stars). 15 submissions from 15 submitters: Pathogenic (1). 14 of the submissions do not count toward it. Last evaluated 2026-01-20.

Conditions:
Autosomal recessive limb-girdle muscular dystrophy type 2A (LGMDR1). Also called: Limb-girdle muscular dystrophy, type 2A; Calpainopathy; Muscular dystrophy, limb-girdle, type 2A, Amish; LEYDEN-MOEBIUS MUSCULAR DYSTROPHY; MUSCULAR DYSTROPHY, PELVOFEMORAL. Identifiers: Orphanet 267, MedGen C1869123, MONDO:0009675, OMIM 253600. Disease mechanism: loss of function.
Muscular dystrophy, limb-girdle, autosomal dominant 4. Also called: Calpain-3-related limb-girdle muscular dystrophy D4; MUSCULAR DYSTROPHY, LIMB-GIRDLE, TYPE 1I. Identifiers: Orphanet 565909, MedGen C4748295, MONDO:0029133, OMIM 618129.
Autosomal recessive limb-girdle muscular dystrophy. Identifiers: Orphanet 102015, MedGen C2931907, MONDO:0015152.

Allele frequency attached by ClinVar (database versions not stated): gnomAD 0.00001; TOPMed 0.00001.
gnomAD v4.1: 19 of 1,602,726 alleles (0.0012%); highest among the groups gnomAD compares: Admixed American, 0.0034%; no homozygotes.

Submissions 1 to 9 of 15:

ClinGen Limb Girdle Muscular Dystrophy Variant Curation Expert Panel, ClinGen
Classification: Pathogenic for Autosomal recessive limb-girdle muscular dystrophy. Last evaluated: 2026-01-20. Review status: reviewed by expert panel. Criteria: ClinGen LGMD VCEP ACMG Specifications CAPN3 V2.0.0. Collection method: curation. Allele origin: germline. Inheritance: Autosomal recessive inheritance.
Comment: The NM_000070.3: c.1342C>T variant in CAPN3 is a missense variant that results in the substitution of arginine with cysteine at codon 448, p.(Arg448Cys). This variant has been identified in at least nine individuals with clinical features consistent with limb-girdle muscular dystrophy (LGMD) (PMID: 37852290, 39733240, 16141003, 37526466, 17318636, 27447704, 18854869, 15221789, 17236769; GRASP-LGMD Consortium internal data communication), including in a homozygous state in at least four patients without reported familial consanguinity (1.0 pts; PMID: 16141003, 37526466, 17318636, 27447704, 18854869, 17236769). It has also been identified in unconfirmed phase with a pathogenic CAPN3 variant in at least two patients (c.550del p.(Thr184ArgfsTer36), 0.5 pts, PMID: 39733240; c.1115+5G>C, 0.5 pts, GRASP-LGMD Consortium internal data communication) (PM3_Strong). At least one patient homozygous for this variant had both progressive limb girdle muscle weakness and absent calpain-3 protein expression in skeletal muscle, which is highly specific for CAPN3-associated LGMD (PMID: 18854869, 15221789; PP4_Strong). The highest frequency for this variant in gnomAD v4.1.0 is 0.00003412 (2/58616 Admixed American chromosomes), which is lower than the ClinGen LGMD VCEP threshold of <0.0001 for PM2_Supporting, meeting this criterion (PM2_Supporting). The computational predictor REVEL gives a score of 0.846, which is above the LGMD VCEP threshold of ≥0.70, evidence that correlates with impact to CAPN3 function (PP3). In addition, another missense variant at the same codon, c.1343G>A p.(Arg448His), has been classified as pathogenic by the ClinGen LGMD VCEP (PM5). In summary, this variant meets criteria to be classified as Pathogenic for autosomal recessive limb-girdle muscular dystrophy based on the ACMG/AMP criteria applied, as specified by the ClinGen LGMD VCEP (version 2.0.0; 01/20/2026): PM3_Strong, PP4_Strong, PM2_Supporting, PP3, PM5.

Revvity Omics, Revvity
Classification: Pathogenic. Last evaluated: 2025-06-09. Review status: criteria provided, single submitter. Criteria: ACMG Guidelines, 2015. Collection method: clinical testing. Allele origin: germline. Not counted in ClinVar's aggregate classification.

Natera, Inc.
Classification: Pathogenic for Limb-girdle muscular dystrophy type 2A. Last evaluated: 2025-02-03. Review status: criteria provided, single submitter. Criteria: Natera Variant Classification Schema (03/2026). Collection method: clinical testing. Allele origin: germline. Not counted in ClinVar's aggregate classification.
Comment: The c.1342C>T variant in CAPN3 is a missense variant predicted to cause substitution of arginine to cysteine at amino acid 448. This variant is rare in the general population with a frequency below the threshold expected for the associated phenotype(s). This variant has been observed in one or more individuals affected with the associated recessive disease, as either homozygous or compound heterozygous with a second variant (PMID: 27447704, 17318636, 31407473). A different variant at the same position has been determined to be Pathogenic or Likely Pathogenic. Computational prediction algorithms indicate this variant is likely to affect gene or protein function. Given the available evidence, this variant is classified as Pathogenic.

Labcorp Genetics (formerly Invitae), Labcorp
Classification: Pathogenic for Autosomal recessive limb-girdle muscular dystrophy type 2A. Last evaluated: 2024-05-20. Review status: criteria provided, single submitter. Criteria: Invitae Variant Classification Sherloc (09022015). Collection method: clinical testing. Allele origin: germline. Not counted in ClinVar's aggregate classification.
Comment: This sequence change replaces arginine, which is basic and polar, with cysteine, which is neutral and slightly polar, at codon 448 of the CAPN3 protein (p.Arg448Cys). The frequency data for this variant in the population databases is considered unreliable, as metrics indicate poor data quality at this position in the gnomAD database. This missense change has been observed in individual(s) with limb-girdle muscular dystrophy (PMID: 10330340, 16141003, 16650086, 17318636, 18854869, 26404900, 27447704). In at least one individual the data is consistent with being in trans (on the opposite chromosome) from a pathogenic variant. ClinVar contains an entry for this variant (Variation ID: 280038). Advanced modeling of protein sequence and biophysical properties (such as structural, functional, and spatial information, amino acid conservation, physicochemical variation, residue mobility, and thermodynamic stability) performed at Invitae indicates that this missense variant is expected to disrupt CAPN3 protein function with a positive predictive value of 80%. Experimental studies have shown that this missense change affects CAPN3 function (PMID: 15221789, 17236769). This variant disrupts the p.Arg448 amino acid residue in CAPN3. Other variant(s) that disrupt this residue have been determined to be pathogenic (PMID: 10330340, 15221789, 16141003, 20635405, 21624972, 25135358). This suggests that this residue is clinically significant, and that variants that disrupt this residue are likely to be disease-causing. For these reasons, this variant has been classified as Pathogenic.

Fulgent Genetics
Classification: Pathogenic for Autosomal recessive limb-girdle muscular dystrophy type 2A; Muscular dystrophy, limb-girdle, autosomal dominant 4. Last evaluated: 2024-05-17. Review status: criteria provided, single submitter. Criteria: ACMG Guidelines, 2015. Collection method: clinical testing. Allele origin: germline. Not counted in ClinVar's aggregate classification.

Baylor Genetics
Classification: Pathogenic for Muscular dystrophy, limb-girdle, autosomal dominant 4. Last evaluated: 2024-03-14. Review status: criteria provided, single submitter. Criteria: ACMG Guidelines, 2015. Collection method: clinical testing. Allele origin: unknown. Not counted in ClinVar's aggregate classification.

GeneDx
Classification: Pathogenic. Last evaluated: 2023-07-12. Review status: criteria provided, single submitter. Criteria: GeneDx Variant Classification Process June 2021. Collection method: clinical testing. Allele origin: germline. Affected: yes. Not counted in ClinVar's aggregate classification.
Comment: Published functional studies indicate that R448C results in absent calpain enzyme activity (Fanin et al., 2004; Milic et al., 2007); Not observed at significant frequency in large population cohorts (gnomAD); In silico analysis supports that this missense variant has a deleterious effect on protein structure/function; This variant is associated with the following publications: (PMID: 16141003, 17994539, 17897828, 15725583, 10330340, 16650086, 18854869, 21670566, 17318636, 31407473, 31589614, 35239206, 32528171, 26404900, 15689361, 31555977, 27447704, 30564623, 17236769, 15221789)

Broad Center for Mendelian Genomics, Broad Institute of MIT and Harvard
Classification: Pathogenic for Autosomal recessive limb-girdle muscular dystrophy type 2A. Last evaluated: 2018-12-03. Review status: criteria provided, single submitter. Criteria: ACMG Guidelines, 2015. Collection method: research. Allele origin: germline. Inheritance: Autosomal recessive inheritance. Affected: yes. Not counted in ClinVar's aggregate classification.
Comment: This variant has been identified in 0.007057% (1/14170) of African chromosomes by the Genome Aggregation Database (gnomAD; dbSNP rs776043976). Although this variant has been seen in the general population, its frequency is low enough to be consistent with a recessive carrier frequency. In vitro functional studies with muscle biopsy specimens from patients with LGMD and the variant provide some evidence that the p.Arg448Cys variant may impact protein function by lowering calpain-3 protein levels and reducing protein activity (PMID: 17236769, 15221789). However, these types of assays may not accurately represent biological function. Computational prediction tools and conservation analyses suggest that this variant may impact the protein. This variant impacts the same residue as the pathogenic p.Arg448His variant, supporting the possibility that a missense mutation at this position may not be tolerated. Many individuals with LGMD and this variant in either the homozygous or compound heterozygous state have been reported in the literature (PMID: 17236769, 15221789, 18854869, 27447704) and this variant has also been reported pathogenic in ClinVar (Variation ID: 280038). In summary, this variant meets criteria to be classified as pathogenic for LGMD in an autosomal recessive manner based on the predicted impact of the variant and evidence from in vitro functional studies with muscle biopsy specimens. ACMG/AMP Criteria applied: PM2, PP3, PM5, PS3, PM3 (Richards 2015).

CeGaT Center for Human Genetics Tuebingen
Classification: Pathogenic. Last evaluated: 2018-10-01. Review status: criteria provided, single submitter. Criteria: CeGaT Center For Human Genetics Tuebingen Variant Classification Criteria Version 2. Collection method: clinical testing. Allele origin: germline. Affected: yes. Observed: 1 variant allele. Not counted in ClinVar's aggregate classification.